The following is an entry in ClinVar:

ClinVar aggregate classification (germline): Uncertain significance. Review status: criteria provided, multiple submitters, no conflicts (2 of 4 stars). 4 submissions from 4 submitters: Uncertain significance (4). Last evaluated 2024-10-03.

Conditions:
Cystic fibrosis (CF). Also called: MUCOVISCIDOSIS. Identifiers: Orphanet 586, MedGen C0010674, MONDO:0009061, OMIM 219700. Disease mechanism: loss of function.

Allele frequency attached by ClinVar (database versions not stated): gnomAD 0.00007 and 0.00010; 1000 Genomes Project 30x 0.00062; 1000 Genomes Project 0.00080.

Submissions (4):

Blueprint Genetics
Classification: Uncertain significance. Last evaluated: 2024-10-03. Review status: criteria provided, single submitter. Criteria: ACMG Guidelines, 2015. Collection method: clinical testing. Allele origin: germline.

Labcorp Genetics (formerly Invitae), Labcorp
Classification: Uncertain significance for Cystic fibrosis. Last evaluated: 2022-09-06. Review status: criteria provided, single submitter. Criteria: Invitae Variant Classification Sherloc (09022015). Collection method: clinical testing. Allele origin: germline.
Comment: This variant occurs in a non-coding region of the CFTR gene. It does not change the encoded amino acid sequence of the CFTR protein. The frequency data for this variant in the population databases is considered unreliable, as metrics indicate poor data quality at this position in the gnomAD database. This variant has been observed in individual(s) with cystic fibrosis (PMID: 23810505). In at least one individual the data is consistent with being in trans (on the opposite chromosome) from a pathogenic variant. In summary, the available evidence is currently insufficient to determine the role of this variant in disease. Therefore, it has been classified as a Variant of Uncertain Significance.

GeneDx
Classification: Uncertain significance. Last evaluated: 2019-07-31. Review status: criteria provided, single submitter. Criteria: GeneDx Variant Classification Process June 2021. Collection method: clinical testing. Allele origin: germline. Affected: yes.
Comment: No data available from control populations to assess the frequency of this variant; This variant is associated with the following publications: (PMID: 23810505)

Eurofins Ntd Llc (ga)
Classification: Uncertain significance. Last evaluated: 2018-07-10. Review status: criteria provided, single submitter. Criteria: EGL ClinVar v180209 classification definitions. Collection method: clinical testing. Allele origin: germline. Observed: 1 variant allele, 1 heterozygote.

Literature cited by the submitters: PubMed 23810505 (cited by Labcorp Genetics (formerly Invitae), Labcorp).

NC_000007.14:g.117479943G>C

Genes: CFTR (CF transmembrane conductance regulator; plus strand), LOC111674463 (CFTR promoter region; plus strand). Cytogenetic location: 7q31.2.
Variant type: single nucleotide variant.
Genome position: GRCh38 VCF-style: chr7-117479943-G-C. GRCh37 (hg19) VCF-style: chr7-117119997-G-C.
Identifiers: ClinVar variation 597979 (VCV000597979.9), dbSNP rs551681003, ClinGen allele CA164948703.